The following is an entry in ClinVar:

NM_181426.2(CCDC39):c.626C>G (p.Ala209Gly)

Gene: CCDC39 (coiled-coil domain 39 molecular ruler complex subunit; minus strand). Cytogenetic location: 3q26.33.
Variant type: single nucleotide variant.
Coding change: c.626C>G on transcript NM_181426.2 (MANE Select); coding-DNA position 626, C replaced by G.
Protein change: p.Ala209Gly; replaces alanine 209 with glycine.
Molecular consequence: missense variant.
Genome position (GRCh38, 1-based): chr3:180,659,564, G>C on the plus strand (C>G on the coding strand, the complement: CCDC39 is on the minus strand). VCF-style: chr3-180659564-G-C. GRCh37 (hg19) VCF-style: chr3-180377352-G-C.
Other names: short protein forms A209G.
Identifiers: ClinVar variation 410382 (VCV000410382.6), dbSNP rs371857720, ClinGen allele CA16611308.

ClinVar aggregate classification (germline): Uncertain significance (1 of 4 stars; one submission).

Conditions:
Primary ciliary dyskinesia. Also called: Ciliary dyskinesia. Identifiers: Orphanet 244, MedGen C0008780, MONDO:0016575, HP:0012265.

Allele frequency attached by ClinVar (database versions not stated): gnomAD 0.00003 and 0.00004; ESP Exome Variant Server 0.00008; gnomAD exomes 0.00001; TOPMed 0.00001.
gnomAD v4.1: 55 of 1,612,534 alleles (0.0034%); highest among the groups gnomAD compares: Non-Finnish European, 0.0047%; no homozygotes.

Submission:

Labcorp Genetics (formerly Invitae), Labcorp
Classification: Uncertain significance for Primary ciliary dyskinesia. Last evaluated: 2021-08-24. Review status: criteria provided, single submitter. Criteria: Invitae Variant Classification Sherloc (09022015). Collection method: clinical testing. Allele origin: germline.
Comment: This sequence change replaces alanine with glycine at codon 209 of the CCDC39 protein (p.Ala209Gly). The alanine residue is moderately conserved and there is a small physicochemical difference between alanine and glycine. This variant is not present in population databases (ExAC no frequency). This missense change has been observed in individual(s) with primary ciliary dyskinesia and heterotaxy (PMID: 22499950). Algorithms developed to predict the effect of missense changes on protein structure and function are either unavailable or do not agree on the potential impact of this missense change (SIFT: "Tolerated"; PolyPhen-2: "Possibly Damaging"; Align-GVGD: "Class C0"). In summary, the available evidence is currently insufficient to determine the role of this variant in disease. Therefore, it has been classified as a Variant of Uncertain Significance.

Literature cited by the submitters: PubMed 22499950.